The following is an entry in ClinVar:

NM_000094.4(COL7A1):c.3759+9_3759+18del

Gene: COL7A1 (collagen type VII alpha 1 chain; minus strand). Cytogenetic location: 3p21.31.
Variant type: Deletion.
Coding change: c.3759+9_3759+18del on transcript NM_000094.4 (MANE Select); bases 9 to 18 of the intron after coding-DNA position 3759, 10 bases deleted (CCCTCATCGA; older notation c.3759+9_3759+18delCCCTCATCGA).
Molecular consequence: intron variant.
Genome position (GRCh38, 1-based): chr3:48,585,922-48,585,931, TCGATGAGGG deleted on the plus strand (CCCTCATCGA on the coding strand, the reverse complement: COL7A1 is on the minus strand). VCF-style (leftmost placement, unchanged base first): chr3-48585921-CTCGATGAGGG-C. GRCh37 (hg19) VCF-style: chr3-48623354-CTCGATGAGGG-C.
Identifiers: ClinVar variation 3701534 (VCV003701534.2).
Genomic context (GRCh38, chr3:48,585,921, plus strand): 5'-GGAAAGACATGTCAGATGTGGGTCAGAGTGGCTAGCCCCAGGTGCAGCCTCTGTTCACCT[CTCGATGAGGG>C]ACTCTTACCTTTGGACAATACACTGGGCAGGGCTCTGGCCGGGGCTGCGGACATAGGGTC-3'

ClinVar aggregate classification (germline): Uncertain significance (1 of 4 stars; one submission).

Submission:

Labcorp Genetics (formerly Invitae), Labcorp
Classification: Uncertain significance. Last evaluated: 2024-06-09. Review status: criteria provided, single submitter. Criteria: Invitae Variant Classification Sherloc (09022015). Collection method: clinical testing. Allele origin: germline.
Comment: This sequence change falls in intron 28 of the COL7A1 gene. It does not directly change the encoded amino acid sequence of the COL7A1 protein. This variant is not present in population databases (gnomAD no frequency). This variant has not been reported in the literature in individuals affected with COL7A1-related conditions. Algorithms developed to predict the effect of sequence changes on RNA splicing suggest that this variant may disrupt the consensus splice site. In summary, the available evidence is currently insufficient to determine the role of this variant in disease. Therefore, it has been classified as a Variant of Uncertain Significance.